The following is an entry in ClinVar:

NM_000257.4(MYH7):c.4904T>C (p.Met1635Thr)

Genes: MHRT (myosin heavy chain associated RNA transcript; plus strand), MYH7 (myosin heavy chain 7; minus strand), LOC126861897 (BRD4-independent group 4 enhancer GRCh37_chr14:23884455-23885654; plus strand). Cytogenetic location: 14q11.2.
Variant type: single nucleotide variant.
Coding change: c.4904T>C on transcript NM_000257.4 (MANE Select); coding-DNA position 4904, T replaced by C.
Protein change: p.Met1635Thr; replaces methionine 1635 with threonine.
Molecular consequence: missense variant. On other transcripts: non-coding transcript variant (1).
Genome position (GRCh38, 1-based): chr14:23,416,053, A>G on the plus strand (T>C on the coding strand, the complement: MYH7 is on the minus strand). VCF-style: chr14-23416053-A-G. GRCh37 (hg19) VCF-style: chr14-23885262-A-G.
Other names: p.M1635T:ATG>ACG; c.4904T>C (LRG_384t1); short protein forms M1635T.
Identifiers: ClinVar variation 181269 (VCV000181269.24), dbSNP rs145822086, ClinGen allele CA015442.

ClinVar aggregate classification (germline): Uncertain significance. Review status: criteria provided, multiple submitters, no conflicts (2 of 4 stars). 9 submissions from 9 submitters: Uncertain significance (9). Last evaluated 2026-05-05.

Conditions:
Myopathy, myosin storage, autosomal recessive (CMYO7B). Also called: CONGENITAL MYOPATHY 7B, MYOSIN STORAGE, AUTOSOMAL RECESSIVE. Identifiers: Orphanet 636970, MedGen C1850709, MONDO:0009708, OMIM 255160.
Dilated cardiomyopathy 1S (CMD1S). Identifiers: Orphanet 154, Orphanet 54260, MedGen C1834481, MONDO:0013262, OMIM 613426.
Hypertrophic cardiomyopathy 1 (CMH1). Also called: MYH7-Related Familial Hypertrophic Cardiomyopathy; Familial hypertrophic cardiomyopathy 1. Identifiers: MedGen C3495498, MONDO:0008647, OMIM 192600.
MYH7-related skeletal myopathy. Also called: Myopathy, distal, 1; Laing distal myopathy; Laing early-onset distal myopathy; MYOPATHY, DISTAL, EARLY-ONSET, AUTOSOMAL DOMINANT; MYOPATHY, LATE DISTAL HEREDITARY. Identifiers: Orphanet 59135, MedGen C4552004, MONDO:0008050, OMIM 160500.
Myosin storage myopathy (CMYO7A). Also called: MYH7-related late-onset scapuloperoneal muscular dystrophy; Congenital myopathy 7A, myosin storage, autosomal dominant; MYOPATHY, HYALINE BODY, AUTOSOMAL DOMINANT; SCAPULOPERONEAL MUSCULAR DYSTROPHY; SCAPULOPERONEAL SYNDROME, MYOPATHIC TYPE; Scapuloperoneal myopathy, MYH7-related. Identifiers: Orphanet 437572, Orphanet 636965, MedGen C1842160, MONDO:0008409, OMIM 608358.
Congenital myopathy with fiber type disproportion. Also called: Congenital fiber-type disproportion myopathy; Congenital fiber-type disproportion. Identifiers: Orphanet 2020, MedGen C0546264, MONDO:0009711. Inheritance: all.
MYH7-related disorder. Also called: MYH7-related condition; MYH7-related disease; MYH7-related disorders.
Cardiovascular phenotype. Identifiers: MedGen CN230736.
Cardiomyopathy (CMYO). Also called: Cardiomyopathies. Identifiers: Orphanet 167848, MedGen C0878544, MONDO:0004994, HP:0001638. Inheritance: Various modes of inheritance.
Hypertrophic cardiomyopathy. Also called: HYPERTROPHIC MYOCARDIOPATHY. Identifiers: Orphanet 217569, MedGen C0007194, MeSH D002312, MONDO:0005045, HP:0001639.

Allele frequency attached by ClinVar (database versions not stated): gnomAD exomes 0.00001 and 0.00002; ExAC 0.00002; gnomAD 0.00004; TOPMed 0.00008; ESP Exome Variant Server 0.00015.

Submissions (9):

PreventionGenetics, part of Exact Sciences
Classification: Uncertain significance for MYH7-related condition. Last evaluated: 2026-05-05. Review status: criteria provided, single submitter. Criteria: ACMG Guidelines, 2015. Collection method: clinical testing. Allele origin: germline.
Comment: The MYH7 c.4904T>C variant is predicted to result in the amino acid substitution p.Met1635Thr. To our knowledge, this variant has not been reported in the literature. This variant is reported in 0.020% of alleles in individuals of African descent in gnomAD. At this time, the clinical significance of this variant is uncertain due to the absence of conclusive functional and genetic evidence.

Labcorp Genetics (formerly Invitae), Labcorp
Classification: Uncertain significance for Hypertrophic cardiomyopathy. Last evaluated: 2025-12-19. Review status: criteria provided, single submitter. Criteria: Invitae Variant Classification Sherloc (09022015). Collection method: clinical testing. Allele origin: germline.
Comment: This sequence change replaces methionine, which is neutral and non-polar, with threonine, which is neutral and polar, at codon 1635 of the MYH7 protein (p.Met1635Thr). This variant is present in population databases (rs145822086, gnomAD 0.02%). This variant has not been reported in the literature in individuals affected with MYH7-related conditions. ClinVar contains an entry for this variant (Variation ID: 181269). Invitae Evidence Modeling of protein sequence and biophysical properties (such as structural, functional, and spatial information, amino acid conservation, physicochemical variation, residue mobility, and thermodynamic stability) indicates that this missense variant is not expected to disrupt MYH7 protein function with a negative predictive value of 95%. In summary, the available evidence is currently insufficient to determine the role of this variant in disease. Therefore, it has been classified as a Variant of Uncertain Significance.

Ambry Genetics
Classification: Uncertain significance for Cardiovascular phenotype. Last evaluated: 2025-11-05. Review status: criteria provided, single submitter. Criteria: Ambry Variant Classification Scheme 2023. Collection method: clinical testing. Allele origin: germline.
Comment: The p.M1635T variant (also known as c.4904T>C), located in coding exon 32 of the MYH7 gene, results from a T to C substitution at nucleotide position 4904. The methionine at codon 1635 is replaced by threonine, an amino acid with similar properties. This variant was reported in individual(s) with features consistent with hypertrophic cardiomyopathy (HCM) (Homburger JR et al. Proc Natl Acad Sci U S A, 2016 06;113:6701-6; Ambry internal data). This amino acid position is poorly conserved in available vertebrate species. In addition, this alteration is predicted to be tolerated by in silico analysis. Since supporting evidence is limited at this time, the clinical significance of this alteration remains unclear.

Molecular Diagnostic Laboratory for Inherited Cardiovascular Disease, Montreal Heart Institute
Classification: Uncertain significance for Cardiovascular phenotype. Last evaluated: 2025-04-09. Review status: criteria provided, single submitter. Criteria: ACMG Guidelines, 2015. Collection method: clinical testing. Allele origin: germline. Affected: yes.
Comment: BP5

All of Us Research Program, National Institutes of Health
Classification: Uncertain significance for Cardiomyopathy. Last evaluated: 2024-09-16. Review status: criteria provided, single submitter. Criteria: ACMG Guidelines, 2015. Collection method: clinical testing. Allele origin: germline. Inheritance: Autosomal dominant inheritance. Observed: 12 variant alleles, 12 heterozygotes.
Comment: This missense variant replaces methionine with threonine at codon 1635 of the MYH7 protein. Computational prediction suggests that this variant may not impact protein structure and function (internally defined REVEL score threshold <= 0.5, PMID: 27666373). To our knowledge, functional studies have not been reported for this variant. This variant has not been reported in individuals affected with MYH7-related disorders in the literature. This variant has been identified in 5/282844 chromosomes in the general population by the Genome Aggregation Database (gnomAD). The available evidence is insufficient to determine the role of this variant in disease conclusively. Therefore, this variant is classified as a Variant of Uncertain Significance.

This study involves interpretation of variants in research participants for the purpose of population health screening. Participant phenotype was not available at the time of variant classification. Additional details can be found in publication PMID: 35346344, PMCID: PMC8962531

Color Diagnostics, LLC DBA Color Health
Classification: Uncertain significance for Cardiomyopathy. Last evaluated: 2024-02-22. Review status: criteria provided, single submitter. Criteria: ACMG Guidelines, 2015. Collection method: clinical testing. Allele origin: germline.
Comment: This missense variant replaces methionine with threonine at codon 1635 of the MYH7 protein. Computational prediction tools indicate that this variant has a neutral impact on protein structure and function. To our knowledge, functional studies have not been reported for this variant. This variant has not been reported in individuals affected with MYH7-related disorders in the literature. This variant has been identified in 5/282844 chromosomes in the general population by the Genome Aggregation Database (gnomAD). The available evidence is insufficient to determine the role of this variant in disease conclusively. Therefore, this variant is classified as a Variant of Uncertain Significance.

CHEO Genetics Diagnostic Laboratory, Children's Hospital of Eastern Ontario
Classification: Uncertain significance for Cardiomyopathy. Last evaluated: 2023-03-06. Review status: criteria provided, single submitter. Criteria: ACMG Guidelines, 2015. Collection method: clinical testing. Allele origin: germline.

Fulgent Genetics
Classification: Uncertain significance for MYH7-related skeletal myopathy; Myosin storage myopathy; Hypertrophic cardiomyopathy 1; Myopathy, myosin storage, autosomal recessive; Congenital myopathy 4A, autosomal dominant; Dilated cardiomyopathy 1S. Last evaluated: 2021-10-13. Review status: criteria provided, single submitter. Criteria: ACMG Guidelines, 2015. Collection method: clinical testing. Allele origin: unknown.

GeneDx
Classification: Uncertain significance. Last evaluated: 2018-02-05. Review status: criteria provided, single submitter. Criteria: GeneDx Variant Classification (06012015). Collection method: clinical testing. Allele origin: germline. Affected: yes.
Comment: p.Met1635Thr (ATG>ACG): c.4904 T>C in exon 34 of the MYH7 gene (NM_000257.2). The M1635T variant has not been published as a pathogenic variant, nor has it been reported as a benign variant to our knowledge. The M1635T variant is observed in 5/24032 (0.02%) alleles from individuals of African background in large population cohorts (Lek et al., 2016). The M1635T variant is a non-conservative amino acid substitution, which is likely to impact secondary protein structure as these residues differ in polarity, charge, size and/or other properties. Missense variants in nearby residues have been reported in the Human Gene Mutation Database in individuals with MYH7-related disorders (Stenson et al., 2014). However, in-silico analyses, including protein predictors and evolutionary conservation, support that this variant does not alter protein structure/function. Therefore, based on the currently available information, it is unclear whether this variant is a pathogenic variant or a rare benign variant. The variant is found in HCM panel(s).

Literature cited by the submitters: PubMed 27247418 (cited by Ambry Genetics).